The following is an entry in ClinVar:

NM_004341.5(CAD):c.1394G>A (p.Arg465His)

Gene: CAD (carbamoyl-phosphate synthetase 2, aspartate transcarbamylase, and dihydroorotase; plus strand). Cytogenetic location: 2p23.3.
Variant type: single nucleotide variant.
Coding change: c.1394G>A on transcript NM_004341.5 (MANE Select); coding-DNA position 1394, G replaced by A.
Protein change: p.Arg465His; replaces arginine 465 with histidine.
Molecular consequence: missense variant.
Genome position (GRCh38, 1-based): chr2:27,225,017, G>A. VCF-style: chr2-27225017-G-A. GRCh37 (hg19) VCF-style: chr2-27447885-G-A.
Other names: c.1394G>A, p.Arg465His (NM_001306079.2); short protein forms R465H.
Identifiers: ClinVar variation 871082 (VCV000871082.43), dbSNP rs753393523, ClinGen allele CA1572715.

ClinVar aggregate classification (germline): Uncertain significance. Review status: criteria provided, multiple submitters, no conflicts (2 of 4 stars). 2 submissions from 2 submitters: Uncertain significance (2). Last evaluated 2026-05-01.

Allele frequency attached by ClinVar (database versions not stated): ExAC 0.00003; gnomAD 0.00003 and 0.00004; gnomAD exomes 0.00003 and 0.00007; TOPMed 0.00003.
gnomAD v4.1: 101 of 1,609,692 alleles (0.0063%); highest among the groups gnomAD compares: Non-Finnish European, 0.0079%; no homozygotes.

Submissions (2):

CeGaT Center for Human Genetics Tuebingen
Classification: Uncertain significance. Last evaluated: 2026-05-01. Review status: criteria provided, single submitter. Criteria: CeGaT Center For Human Genetics Tuebingen Variant Classification Criteria Version 2. Collection method: clinical testing. Allele origin: germline. Affected: yes. Observed: 1 variant allele.
Comment: CAD: PM2

Labcorp Genetics (formerly Invitae), Labcorp
Classification: Uncertain significance. Last evaluated: 2022-08-23. Review status: criteria provided, single submitter. Criteria: Invitae Variant Classification Sherloc (09022015). Collection method: clinical testing. Allele origin: germline.
Comment: This sequence change replaces arginine, which is basic and polar, with histidine, which is basic and polar, at codon 465 of the CAD protein (p.Arg465His). This variant is present in population databases (rs753393523, gnomAD 0.006%). This variant has not been reported in the literature in individuals affected with CAD-related conditions. ClinVar contains an entry for this variant (Variation ID: 871082). Algorithms developed to predict the effect of missense changes on protein structure and function (SIFT, PolyPhen-2, Align-GVGD) all suggest that this variant is likely to be tolerated. In summary, the available evidence is currently insufficient to determine the role of this variant in disease. Therefore, it has been classified as a Variant of Uncertain Significance.